The following is an entry in ClinVar:

NM_004260.4(RECQL4):c.2538A>G (p.Val846=)

Gene: RECQL4 (RecQ like helicase 4; minus strand). Cytogenetic location: 8q24.3.
Variant type: single nucleotide variant.
Coding change: c.2538A>G on transcript NM_004260.4 (MANE Select); coding-DNA position 2538, A replaced by G.
Protein change: p.Val846=; no amino-acid change (valine 846 retained).
Molecular consequence: synonymous variant.
Genome position (GRCh38, 1-based): chr8:144,513,064, T>C on the plus strand (A>G on the coding strand, the complement: RECQL4 is on the minus strand). VCF-style: chr8-144513064-T-C. GRCh37 (hg19) VCF-style: chr8-145738447-T-C.
Identifiers: ClinVar variation 194508 (VCV000194508.18), dbSNP rs746303718, ClinGen allele CA240514.

ClinVar aggregate classification (germline): Conflicting classifications of pathogenicity. Review status: criteria provided, conflicting classifications (1 of 4 stars). 5 submissions from 5 submitters: Uncertain significance (2); Likely benign (3). Last evaluated 2026-06-01.

Conditions:
Rothmund-Thomson syndrome type 2 (RTS2). Identifiers: Orphanet 221016, MedGen C5203410, MONDO:0016369, OMIM 268400.
Baller-Gerold syndrome (BGS). Also called: CRANIOSYNOSTOSIS WITH RADIAL DEFECTS. Identifiers: Orphanet 1225, MedGen C0265308, MONDO:0009039, OMIM 218600.

Allele frequency attached by ClinVar (database versions not stated): gnomAD exomes 0.00007; ExAC 0.00008; gnomAD 0.00009 and 0.00007; TOPMed 0.00012.
gnomAD v4.1: 117 of 1,576,528 alleles (0.0074%); highest among the groups gnomAD compares: Admixed American, 0.018%; no homozygotes.

Submissions (5):

CeGaT Center for Human Genetics Tuebingen
Classification: Likely benign. Last evaluated: 2026-06-01. Review status: criteria provided, single submitter. Criteria: CeGaT Center For Human Genetics Tuebingen Variant Classification Criteria Version 2. Collection method: clinical testing. Allele origin: germline. Affected: yes. Observed: 1 variant allele.
Comment: RECQL4: BP4, BP7

St. Jude Molecular Pathology, St. Jude Children's Research Hospital
Classification: Uncertain significance for Rothmund-Thomson syndrome type 2. Last evaluated: 2026-02-11. Review status: criteria provided, single submitter. Criteria: St. Jude Assertion Criteria 2020. Collection method: clinical testing. Allele origin: germline.
Comment: The RECQL4 c.2538A>G p.(Val846=) synonymous change has a maximum subpopulation frequency of 0.03% in gnomAD v2.1.1. Algorithms that predict the impact of sequence changes on splicing indicate that this change may impact splicing but to our knowledge these predictions have not been confirmed by RNA studies. To our knowledge, this variant has not been reported in individuals with RECQL4-associated conditions. In summary, the evidence currently available is insufficient to determine the clinical significance of this variant. It has therefore been classified as of uncertain significance.

Labcorp Genetics (formerly Invitae), Labcorp
Classification: Likely benign for Baller-Gerold syndrome. Last evaluated: 2026-01-18. Review status: criteria provided, single submitter. Criteria: Invitae Variant Classification Sherloc (09022015). Collection method: clinical testing. Allele origin: germline.

Blueprint Genetics
Classification: Likely benign. Last evaluated: 2024-09-13. Review status: criteria provided, single submitter. Criteria: ACMG Guidelines, 2015. Collection method: clinical testing. Allele origin: germline.

Eurofins Ntd Llc (ga)
Classification: Uncertain significance. Last evaluated: 2014-12-09. Review status: criteria provided, single submitter. Criteria: EGL Classification Definitions 2015. Collection method: clinical testing. Allele origin: germline. Observed: 1 variant allele, 1 heterozygote.